The following is an entry in ClinVar:

ClinVar aggregate classification (germline): Uncertain significance (1 of 4 stars; one submission).

Conditions:
Inborn genetic diseases. Identifiers: MedGen C0950123, MeSH D030342.

Submission:

Ambry Genetics
Classification: Uncertain significance for Inborn genetic diseases. Last evaluated: 2025-05-31. Review status: criteria provided, single submitter. Criteria: Ambry Variant Classification Scheme 2023. Collection method: clinical testing. Allele origin: germline.
Comment: The p.V372G variant (also known as c.1115T>G), located in coding exon 8 of the DNMT3A gene, results from a T to G substitution at nucleotide position 1115. The valine at codon 372 is replaced by glycine, an amino acid with dissimilar properties. This amino acid position is conserved. In addition, this alteration is predicted to be deleterious by in silico analysis. Based on the available evidence, the clinical significance of this variant remains unclear.

NM_022552.5(DNMT3A):c.1115T>G (p.Val372Gly)

Gene: DNMT3A (DNA methyltransferase 3 alpha; minus strand). Cytogenetic location: 2p23.3.
Variant type: single nucleotide variant.
Coding change: c.1115T>G on transcript NM_022552.5 (MANE Select); coding-DNA position 1115, T replaced by G.
Protein change: p.Val372Gly; replaces valine 372 with glycine.
Molecular consequence: missense variant. On other transcripts: non-coding transcript variant (1).
Genome position (GRCh38, 1-based): chr2:25,247,058, A>C on the plus strand (T>G on the coding strand, the complement: DNMT3A is on the minus strand). VCF-style: chr2-25247058-A-C. GRCh37 (hg19) VCF-style: chr2-25469927-A-C.
Other names: c.659T>G, p.Val220Gly (NM_001320893.1); c.446T>G, p.Val149Gly (NM_001375819.1); c.548T>G, p.Val183Gly (NM_153759.3); c.1115T>G, p.Val372Gly (NM_175629.2); short protein forms V149G, V220G, V372G, V183G.
Identifiers: ClinVar variation 4013940 (VCV004013940.1).